The following is an entry in ClinVar:

ClinVar aggregate classification (germline): Uncertain significance (1 of 4 stars; one submission).

gnomAD v4.1: 4 of 1,576,418 alleles (0.00025%); highest among the groups gnomAD compares: Non-Finnish European, 0.00034%; no homozygotes.

Submission:

Labcorp Genetics (formerly Invitae), Labcorp
Classification: Uncertain significance. Last evaluated: 2023-05-08. Review status: criteria provided, single submitter. Criteria: Invitae Variant Classification Sherloc (09022015). Collection method: clinical testing. Allele origin: germline.
Comment: This sequence change replaces glutamic acid, which is acidic and polar, with alanine, which is neutral and non-polar, at codon 388 of the TBX6 protein (p.Glu388Ala). In summary, the available evidence is currently insufficient to determine the role of this variant in disease. Therefore, it has been classified as a Variant of Uncertain Significance. Advanced modeling of protein sequence and biophysical properties (such as structural, functional, and spatial information, amino acid conservation, physicochemical variation, residue mobility, and thermodynamic stability) performed at Invitae indicates that this missense variant is not expected to disrupt TBX6 protein function. ClinVar contains an entry for this variant (Variation ID: 1972642). This variant has not been reported in the literature in individuals affected with TBX6-related conditions. This variant is not present in population databases (gnomAD no frequency).

NM_004608.4(TBX6):c.1163A>C (p.Glu388Ala)

Gene: TBX6 (T-box transcription factor 6; minus strand). Cytogenetic location: 16p11.2.
Variant type: single nucleotide variant.
Coding change: c.1163A>C on transcript NM_004608.4 (MANE Select); coding-DNA position 1163, A replaced by C.
Protein change: p.Glu388Ala; replaces glutamic acid 388 with alanine.
Molecular consequence: missense variant.
Genome position (GRCh38, 1-based): chr16:30,086,373, T>G on the plus strand (A>C on the coding strand, the complement: TBX6 is on the minus strand). VCF-style: chr16-30086373-T-G. GRCh37 (hg19) VCF-style: chr16-30097694-T-G.
Other names: short protein forms E388A.
Identifiers: ClinVar variation 1972642 (VCV001972642.5), dbSNP rs1014742874, ClinGen allele CA395512809.